The following is an entry in ClinVar:

NM_004655.4(AXIN2):c.18G>A (p.Leu6=)

Gene: AXIN2 (axin 2; minus strand). Cytogenetic location: 17q24.1.
Variant type: single nucleotide variant.
Coding change: c.18G>A on transcript NM_004655.4 (MANE Select); coding-DNA position 18, G replaced by A.
Protein change: p.Leu6=; no amino-acid change (leucine 6 retained).
Molecular consequence: synonymous variant.
Genome position (GRCh38, 1-based): chr17:65,558,603, C>T on the plus strand (G>A on the coding strand, the complement: AXIN2 is on the minus strand). VCF-style: chr17-65558603-C-T. GRCh37 (hg19) VCF-style: chr17-63554721-C-T.
Other names: c.18G>A, p.Leu6= (NM_001363813.1).
Identifiers: ClinVar variation 3254356 (VCV003254356.2), dbSNP rs536919193.

ClinVar aggregate classification (germline): Benign/Likely benign. Review status: criteria provided, multiple submitters, no conflicts (2 of 4 stars). 2 submissions from 2 submitters: Benign (1); Likely benign (1). Last evaluated 2024-06-25.

Conditions:
Oligodontia-cancer predisposition syndrome. Also called: TOOTH AGENESIS-COLORECTAL CANCER SYNDROME. Identifiers: Orphanet 300576, MedGen C1837750, MONDO:0012075, OMIM 608615. Disease mechanism: loss of function.
Hereditary cancer-predisposing syndrome. Also called: Hereditary Cancer Syndrome; Tumor predisposition; Hereditary neoplastic syndrome; Neoplastic Syndromes, Hereditary. Identifiers: Orphanet 140162, MedGen C0027672, MeSH D009386, MONDO:0015356.

Allele frequency attached by ClinVar (database versions not stated): gnomAD 0.00001; 1000 Genomes Project 30x 0.00016; 1000 Genomes Project 0.00020.
gnomAD v4.1: 1 of 1,608,170 alleles (0.000062%); highest among the groups gnomAD compares: East Asian, 0.0022%; no homozygotes.

Submissions (2):

Myriad Genetics, Inc.
Classification: Benign for Oligodontia-cancer predisposition syndrome. Last evaluated: 2024-06-25. Review status: criteria provided, single submitter. Criteria: Myriad Autosomal Dominant, Autosomal Recessive and X-Linked Classification Criteria (2023). Collection method: clinical testing. Allele origin: unknown.
Comment: This variant is considered benign. This variant is a silent/synonymous amino acid change and it is not expected to impact splicing.

Ambry Genetics
Classification: Likely benign for Hereditary cancer-predisposing syndrome. Last evaluated: 2024-05-24. Review status: criteria provided, single submitter. Criteria: Ambry Variant Classification Scheme 2023. Collection method: clinical testing. Allele origin: germline.